The following is an entry in ClinVar:

ClinVar aggregate classification (germline): Uncertain significance (1 of 4 stars; one submission).

Allele frequency attached by ClinVar (database versions not stated): gnomAD exomes below 0.00001.
gnomAD v4.1: 1 of 1,612,374 alleles (0.000062%); highest among the groups gnomAD compares: South Asian, 0.0011%; no homozygotes.

Submission:

Labcorp Genetics (formerly Invitae), Labcorp
Classification: Uncertain significance. Last evaluated: 2021-03-07. Review status: criteria provided, single submitter. Criteria: Invitae Variant Classification Sherloc (09022015). Collection method: clinical testing. Allele origin: germline.
Comment: This sequence change replaces glycine with aspartic acid at codon 1044 of the MSH3 protein (p.Gly1044Asp). The glycine residue is moderately conserved and there is a moderate physicochemical difference between glycine and aspartic acid. This variant is not present in population databases (ExAC no frequency). This variant has not been reported in the literature in individuals with MSH3-related conditions. Algorithms developed to predict the effect of missense changes on protein structure and function output the following: SIFT: "Tolerated"; PolyPhen-2: "Benign"; Align-GVGD: "Class C0". The aspartic acid amino acid residue is found in multiple mammalian species, suggesting that this missense change does not adversely affect protein function. These predictions have not been confirmed by published functional studies and their clinical significance is uncertain. In summary, the available evidence is currently insufficient to determine the role of this variant in disease. Therefore, it has been classified as a Variant of Uncertain Significance.

NM_002439.5(MSH3):c.3131G>A (p.Gly1044Asp)

Gene: MSH3 (mutS homolog 3; plus strand). Cytogenetic location: 5q14.1.
Variant type: single nucleotide variant.
Coding change: c.3131G>A on transcript NM_002439.5 (MANE Select); coding-DNA position 3131, G replaced by A.
Protein change: p.Gly1044Asp; replaces glycine 1044 with aspartic acid.
Molecular consequence: missense variant.
Genome position (GRCh38, 1-based): chr5:80,873,116, G>A. VCF-style: chr5-80873116-G-A. GRCh37 (hg19) VCF-style: chr5-80168935-G-A.
Other names: short protein forms G1044D.
Identifiers: ClinVar variation 1514623 (VCV001514623.8), dbSNP rs2112128541, ClinGen allele CA360346783.
Genomic context (GRCh38, chr5:80,873,116, plus strand): 5'-AATCCTCTAATTTATTTCAGCTTTCAGGCACAGTTTTGATCTCCTTTCTTTATTTCACAG[G>A]CGCAGCAGAACAAGTCCCTGATTTTGTCACCTTCCTTTACCAAATAACTAGAGGAATTGC-3'
Protein context (NP_002430.3, residues 1034-1054): VSEDESKLDP[Gly1044Asp]AAEQVPDFVT